The following is an entry in ClinVar:

NM_003873.7(NRP1):c.1655G>A (p.Arg552Gln)

Gene: NRP1 (neuropilin 1; minus strand). Cytogenetic location: 10p11.22.
Variant type: single nucleotide variant.
Coding change: c.1655G>A on transcript NM_003873.7 (MANE Select); coding-DNA position 1655, G replaced by A.
Protein change: p.Arg552Gln; replaces arginine 552 with glutamine.
Molecular consequence: missense variant. On other transcripts: non-coding transcript variant (1).
Genome position (GRCh38, 1-based): chr10:33,207,676, C>T on the plus strand (G>A on the coding strand, the complement: NRP1 is on the minus strand). VCF-style: chr10-33207676-C-T. GRCh37 (hg19) VCF-style: chr10-33496604-C-T.
Other names: c.1655G>A, p.Arg552Gln (NM_001024628.3, NM_001024629.3, NM_001244972.2 and 2 more transcripts); short protein forms R552Q.
Identifiers: ClinVar variation 4978149 (VCV004978149.1).

ClinVar aggregate classification (germline): Uncertain significance (1 of 4 stars; one submission).

Conditions:
NRP1-related disorder. Also called: NRP1-related condition.

gnomAD v4.1: 76 of 1,613,828 alleles (0.0047%); highest among the groups gnomAD compares: Middle Eastern, 0.016%; no homozygotes.

Submission:

PreventionGenetics, part of Exact Sciences
Classification: Uncertain significance for NRP1-related condition. Last evaluated: 2026-01-20. Review status: criteria provided, single submitter. Criteria: ACMG Guidelines, 2015. Collection method: clinical testing. Allele origin: germline.
Comment: The NRP1 c.1655G>A variant is predicted to result in the amino acid substitution p.Arg552Gln. This variant has been reported in a family with lymphedema (Michelini et al. 2020. PubMed ID: 33212964). This variant is reported in 0.016% of alleles in individuals of South Asian descent in gnomAD. At this time, the clinical significance of this variant is uncertain due to the absence of conclusive functional and genetic evidence.